The following is an entry in ClinVar:

ClinVar aggregate classification (germline): Benign/Likely benign. Review status: criteria provided, multiple submitters, no conflicts (2 of 4 stars). 3 submissions from 3 submitters: Benign (1); Likely benign (2). Last evaluated 2025-05-06.

Conditions:
Hereditary cancer-predisposing syndrome. Also called: Neoplastic Syndromes, Hereditary; Tumor predisposition; Hereditary Cancer Syndrome; Hereditary neoplastic syndrome. Identifiers: Orphanet 140162, MedGen C0027672, MeSH D009386, MONDO:0015356.
Familial cancer of breast. Also called: BREAST CANCER, FAMILIAL; hereditary breast carcinoma; Hereditary breast cancer. Identifiers: Orphanet 227535, MedGen C0346153, MONDO:0016419, OMIM 114480. Disease mechanism: loss of function.

Submissions (3):

Labcorp Genetics (formerly Invitae), Labcorp
Classification: Likely benign for Familial cancer of breast. Last evaluated: 2025-05-06. Review status: criteria provided, single submitter. Criteria: Invitae Variant Classification Sherloc (09022015). Collection method: clinical testing. Allele origin: germline.

Myriad Genetics, Inc.
Classification: Benign for Familial cancer of breast. Last evaluated: 2025-01-14. Review status: criteria provided, single submitter. Criteria: Myriad Autosomal Dominant, Autosomal Recessive and X-Linked Classification Criteria (2023). Collection method: clinical testing. Allele origin: unknown.
Comment: This variant is considered benign. This variant is a silent/synonymous amino acid change and it is not expected to impact splicing.

Ambry Genetics
Classification: Likely benign for Hereditary cancer-predisposing syndrome. Last evaluated: 2015-05-23. Review status: criteria provided, single submitter. Criteria: Ambry Variant Classification Scheme 2023. Collection method: clinical testing. Allele origin: germline.

NM_024675.4(PALB2):c.1653T>C (p.Tyr551=)

Gene: PALB2 (partner and localizer of BRCA2; minus strand). Cytogenetic location: 16p12.2.
Variant type: single nucleotide variant.
Coding change: c.1653T>C on transcript NM_024675.4 (MANE Select); coding-DNA position 1653, T replaced by C.
Protein change: p.Tyr551=; no amino-acid change (tyrosine 551 retained).
Molecular consequence: synonymous variant.
Genome position (GRCh38, 1-based): chr16:23,634,893, A>G on the plus strand (T>C on the coding strand, the complement: PALB2 is on the minus strand). VCF-style: chr16-23634893-A-G. GRCh37 (hg19) VCF-style: chr16-23646214-A-G.
Identifiers: ClinVar variation 231586 (VCV000231586.16), dbSNP rs118203997, ClinGen allele CA10580004.